The following is an entry in ClinVar:

ClinVar aggregate classification (germline): Pathogenic (1 of 4 stars; one submission).

Conditions:
Macular corneal dystrophy (MCD). Also called: Macular corneal dystrophy Type I; GROENOUW TYPE II CORNEAL DYSTROPHY. Identifiers: Orphanet 98969, MedGen C1636149, MONDO:0009020, OMIM 217800.

Submission:

Labcorp Genetics (formerly Invitae), Labcorp
Classification: Pathogenic for Macular corneal dystrophy. Last evaluated: 2020-11-05. Review status: criteria provided, single submitter. Criteria: Invitae Variant Classification Sherloc (09022015). Collection method: clinical testing. Allele origin: germline.
Comment: For these reasons, this variant has been classified as Pathogenic. A similar whole gene deletion has been observed in individual(s) with macular corneal dystrophy (PMID: 11017086). A gross deletion of the genomic region encompassing the full coding sequence of the CHST6 gene has been identified. Loss-of-function variants in CHST6 are known to be pathogenic (PMID: 14609920, 14735064). The boundaries of this event are unknown as they extend beyond the assayed region for this gene and therefore may encompass additional genes.

Literature cited by the submitters: PubMed 11017086; PubMed 14609920; PubMed 14735064.

NC_000016.9:g.(?_74748068)_(75513746_?)del

Genes: FA2H (fatty acid 2-hydroxylase; minus strand), CTRB2 (chymotrypsinogen B2; minus strand), LDHD (lactate dehydrogenase D; minus strand), TMEM170A (transmembrane protein 170A; minus strand), ZNRF1 (zinc and ring finger 1; plus strand) and 6 more. Cytogenetic location: 16q23.1.
Variant type: Deletion.
Identifiers: ClinVar variation 1459206 (VCV001459206.4).